The following is an entry in ClinVar:

NM_006231.4(POLE):c.4278_4290+2del

Gene: POLE (DNA polymerase epsilon, catalytic subunit; minus strand). Cytogenetic location: 12q24.33.
Variant type: Deletion.
Coding change: c.4278_4290+2del on transcript NM_006231.4 (MANE Select); coding-DNA position 4278 through the canonical splice donor site of the intron after coding-DNA position 4290, 15 bases deleted (ATATGAGACTCAGGT).
Molecular consequence: splice donor variant.
Genome position (GRCh38, 1-based): chr12:132,643,835-132,643,849, ACCTGAGTCTCATAT deleted on the plus strand (ATATGAGACTCAGGT on the coding strand, the reverse complement: POLE is on the minus strand); deleting any 15 consecutive bases within chr12:132,643,835-132,643,851 gives the same sequence; the c. name uses the placement nearest the transcript's 3' end. VCF-style (leftmost placement, unchanged base first): chr12-132643834-CACCTGAGTCTCATAT-C. GRCh37 (hg19) VCF-style: chr12-133220420-CACCTGAGTCTCATAT-C.
Identifiers: ClinVar variation 3781511 (VCV003781511.1).

ClinVar aggregate classification (germline): Uncertain significance (1 of 4 stars; one submission).

Conditions:
Hereditary cancer-predisposing syndrome. Also called: Neoplastic Syndromes, Hereditary; Hereditary Cancer Syndrome; Tumor predisposition; Hereditary neoplastic syndrome. Identifiers: Orphanet 140162, MedGen C0027672, MeSH D009386, MONDO:0015356.

Submission:

Ambry Genetics
Classification: Uncertain significance for Hereditary cancer-predisposing syndrome. Last evaluated: 2025-02-14. Review status: criteria provided, single submitter. Criteria: Ambry Variant Classification Scheme 2023. Collection method: clinical testing. Allele origin: germline.
Comment: The c.4278_4290+2del15 intronic variant involves the canonical splice donor site after coding exon 33 of the POLE gene. This variant results from a deletion of 15 nucleotides at positions c.4278 to c.4290+2. Alterations that disrupt the canonical splice site are expected to result in aberrant splicing. In silico splice site analysis predicts that this alteration will weaken the native splice donor site. The resulting transcript is predicted to be in-frame and is not expected to trigger nonsense-mediated mRNA decay; although, direct evidence is unavailable. This nucleotide region is well conserved in available vertebrate species. Based on the available evidence, the clinical significance of this variant remains unclear.